The following is an entry in ClinVar:

NM_002691.4(POLD1):c.2388+2T>C

Gene: POLD1 (DNA polymerase delta 1, catalytic subunit; plus strand). Cytogenetic location: 19q13.33.
Variant type: single nucleotide variant.
Coding change: c.2388+2T>C on transcript NM_002691.4 (MANE Select); the canonical splice donor site of the intron after coding-DNA position 2388, T replaced by C.
Molecular consequence: splice donor variant.
Genome position (GRCh38, 1-based): chr19:50,413,881, T>C. VCF-style: chr19-50413881-T-C. GRCh37 (hg19) VCF-style: chr19-50917138-T-C.
Other names: c.2388+2T>C (NM_001256849.1, NM_001438212.1, NM_001438213.1); c.2316+2T>C (NM_001438210.1, NM_001438211.1); c.2466+2T>C (NM_001308632.1).
Identifiers: ClinVar variation 4669405 (VCV004669405.1).

ClinVar aggregate classification (germline): Uncertain significance (1 of 4 stars; one submission).

Conditions:
Hereditary cancer-predisposing syndrome. Also called: Neoplastic Syndromes, Hereditary; Tumor predisposition; Hereditary Cancer Syndrome; Hereditary neoplastic syndrome. Identifiers: Orphanet 140162, MedGen C0027672, MeSH D009386, MONDO:0015356.

Submission:

Ambry Genetics
Classification: Uncertain significance for Hereditary cancer-predisposing syndrome. Last evaluated: 2025-11-25. Review status: criteria provided, single submitter. Criteria: Ambry Variant Classification Scheme 2023. Collection method: clinical testing. Allele origin: germline.
Comment: The c.2388+2T>C intronic variant results from a T to C substitution two nucleotides after coding exon 18 in the POLD1 gene. This nucleotide position is highly conserved in available vertebrate species. In silico splice site analysis predicts that this alteration may weaken the native splice donor site and may result in the creation or strengthening of a novel splice donor site. Alterations that disrupt the canonical splice site are expected to cause aberrant splicing, resulting in an abnormal protein or a transcript that is subject to nonsense-mediated mRNA decay; however, +2T>C alterations are capable of generating wild-type transcripts in some genomic contexts and should be interpreted with caution (Lin JH et al. Hum Mutat. 2019 10;40:1856-1873). Based on the available evidence, the clinical significance of this alteration remains unclear.